The following is an entry in ClinVar:

NM_015559.3(SETBP1):c.3388_3389delinsAG (p.Pro1130Ser)

Gene: SETBP1 (SET binding protein 1; plus strand). Cytogenetic location: 18q12.3.
Variant type: Indel.
Coding change: c.3388_3389delinsAG on transcript NM_015559.3 (MANE Select); coding-DNA positions 3388 to 3389, CC replaced by AG.
Protein change: p.Pro1130Ser; replaces proline 1130 with serine.
Molecular consequence: missense variant.
Genome position (GRCh38, 1-based): chr18:44,952,728-44,952,729, CC replaced by AG. VCF-style: chr18-44952728-CC-AG. GRCh37 (hg19) VCF-style: chr18-42532693-CC-AG.
Other names: c.3388_3389delinsAG (NM_015559.2); c.3388_3389delinsAG, p.Pro1130Ser (NM_001379141.1, NM_001379142.1, NM_001410862.1); short protein forms P1130S.
Identifiers: ClinVar variation 2789416 (VCV002789416.4), dbSNP rs2511475807, ClinGen allele CA2739268648.

ClinVar aggregate classification (germline): Conflicting classifications of pathogenicity. Review status: criteria provided, conflicting classifications (1 of 4 stars). 2 submissions from 2 submitters: Uncertain significance (1); Likely benign (1). Last evaluated 2026-02-20.

Submissions (2):

GeneDx
Classification: Uncertain significance. Last evaluated: 2026-02-20. Review status: criteria provided, single submitter. Criteria: GeneDx Variant Classification Process June 2021. Collection method: clinical testing. Allele origin: germline.
Comment: Not observed at significant frequency in large population cohorts (gnomAD); In silico analysis supports a deleterious effect on protein structure/function; Has not been previously published as pathogenic or benign to our knowledge

Labcorp Genetics (formerly Invitae), Labcorp
Classification: Likely benign. Last evaluated: 2025-06-04. Review status: criteria provided, single submitter. Criteria: Invitae Variant Classification Sherloc (09022015). Collection method: clinical testing. Allele origin: germline.